The following is an entry in ClinVar:

NM_020971.3(SPTBN4):c.2641C>T (p.Leu881Phe)

Gene: SPTBN4 (spectrin beta, non-erythrocytic 4; plus strand). Cytogenetic location: 19q13.2.
Variant type: single nucleotide variant.
Coding change: c.2641C>T on transcript NM_020971.3 (MANE Select); coding-DNA position 2641, C replaced by T.
Protein change: p.Leu881Phe; replaces leucine 881 with phenylalanine.
Molecular consequence: missense variant.
Genome position (GRCh38, 1-based): chr19:40,513,430, C>T. VCF-style: chr19-40513430-C-T. GRCh37 (hg19) VCF-style: chr19-41019337-C-T.
Other names: short protein forms L881F.
Identifiers: ClinVar variation 3961652 (VCV003961652.2).

ClinVar aggregate classification (germline): Uncertain significance. Review status: criteria provided, multiple submitters, no conflicts (2 of 4 stars). 2 submissions from 2 submitters: Uncertain significance (2). Last evaluated 2026-05-29.

Conditions:
SPTBN4-related disorder. Also called: SPTBN4-related condition.
Inborn genetic diseases. Identifiers: MedGen C0950123, MeSH D030342.

Submissions (2):

PreventionGenetics, part of Exact Sciences
Classification: Uncertain significance for SPTBN4-related condition. Last evaluated: 2026-05-29. Review status: criteria provided, single submitter. Criteria: ACMG Guidelines, 2015. Collection method: clinical testing. Allele origin: germline.
Comment: The SPTBN4 c.2641C>T variant is predicted to result in the amino acid substitution p.Leu881Phe. To our knowledge, this variant has not been reported in the literature or in a large population database (gnomAD), indicating this variant is rare. At this time, the clinical significance of this variant is uncertain due to the absence of conclusive functional and genetic evidence.

Ambry Genetics
Classification: Uncertain significance for Inborn genetic diseases. Last evaluated: 2025-04-13. Review status: criteria provided, single submitter. Criteria: Ambry Variant Classification Scheme 2023. Collection method: clinical testing. Allele origin: germline.